The following is an entry in ClinVar:

ClinVar aggregate classification (germline): Likely benign. Review status: criteria provided, single submitter (1 of 4 stars). 2 submissions from 2 submitters: Likely benign (1). 1 of the submissions does not count toward it. Last evaluated 2024-09-20.

Conditions:
Multicentric osteolysis, nodulosis, and arthropathy (MONA). Also called: TORG SYNDROME; Torg-Winchester syndrome; OSTEOLYSIS, HEREDITARY MULTICENTRIC; NAO SYNDROME; AL-AQEEL SEWAIRI SYNDROME. Identifiers: MedGen CN322832, MONDO:0009809, OMIM 259600.
Multicentric osteolysis nodulosis arthropathy spectrum. Identifiers: Orphanet 3460, Orphanet 371428, MedGen C1850155, MONDO:0018298.

Allele frequency attached by ClinVar (database versions not stated): gnomAD exomes 0.00001.
gnomAD v4.1: 3 of 1,614,104 alleles (0.00019%); highest among the groups gnomAD compares: South Asian, 0.0033%; no homozygotes.

Submissions (2):

3billion
Classification: Likely benign for Multicentric osteolysis, nodulosis, and arthropathy. Last evaluated: 2024-09-20. Review status: criteria provided, single submitter. Criteria: ACMG Guidelines, 2015. Collection method: clinical testing. Allele origin: germline. Affected: no.
Comment: The homozygous variant was found in patients with no symptoms related to the gene containing the homozygous variant.

Baylor Genetics
Classification: Uncertain significance for Multicentric osteolysis, nodulosis, and arthropathy. Last evaluated: 2015-06-10. Review status: no assertion criteria provided. Collection method: clinical testing. Allele origin: germline. Inheritance: Autosomal recessive inheritance. Affected: yes. Observed: 1 variant allele, 1 homozygote. Not counted in ClinVar's aggregate classification.

NM_004530.6(MMP2):c.539A>T (p.Asp180Val)

Gene: MMP2 (matrix metallopeptidase 2; plus strand). Cytogenetic location: 16q12.2.
Variant type: single nucleotide variant.
Coding change: c.539A>T on transcript NM_004530.6 (MANE Select); coding-DNA position 539, A replaced by T.
Protein change: p.Asp180Val; replaces aspartic acid 180 with valine.
Molecular consequence: missense variant.
Genome position (GRCh38, 1-based): chr16:55,485,308, A>T. VCF-style: chr16-55485308-A-T. GRCh37 (hg19) VCF-style: chr16-55519220-A-T.
Other names: c.389A>T, p.Asp130Val (NM_001127891.3); c.311A>T, p.Asp104Val (NM_001302508.1, NM_001302509.2, NM_001302510.2); short protein forms D180V, D104V, D130V.
Identifiers: ClinVar variation 374345 (VCV000374345.3), dbSNP rs1057518712, ClinGen allele CA16043690.
Genomic context (GRCh38, chr16:55,485,308, plus strand): 5'-TTCAGGGTCTAGGTGGCACAGCTAGACGCTAAGACCCAGTGTGTGTTTCAGAGCATGGCG[A>T]TGGATACCCCTTTGACGGTAAGGACGGACTCCTGGCTCATGCCTTCGCCCCAGGCACTGG-3'
Protein context (NP_004521.1, residues 170-190): MINFGRWEHG[Asp180Val]GYPFDGKDGL